The following is an entry in ClinVar:

NM_014845.6(FIG4):c.1012A>G (p.Thr338Ala)

Gene: FIG4 (FIG4 phosphoinositide 5-phosphatase; plus strand). Cytogenetic location: 6q21.
Variant type: single nucleotide variant.
Coding change: c.1012A>G on transcript NM_014845.6 (MANE Select); coding-DNA position 1012, A replaced by G.
Protein change: p.Thr338Ala; replaces threonine 338 with alanine.
Molecular consequence: missense variant.
Genome position (GRCh38, 1-based): chr6:109,743,245, A>G. VCF-style: chr6-109743245-A-G. GRCh37 (hg19) VCF-style: chr6-110064448-A-G.
Other names: short protein forms T338A.
Identifiers: ClinVar variation 2069697 (VCV002069697.2), dbSNP rs771265385, ClinGen allele CA3955956.
Genomic context (GRCh38, chr6:109,743,245, plus strand): 5'-TATTCTTCATATGTACAAGTTAGAGGATCTGTGCCCTTATACTGGTCTCAGGACATTTCA[A>G]CTATGATGCCTAAACCACCTATTACATGTGTGTGGAGCCATGTTTTTAATAATAACTCCT-3'
Protein context (NP_055660.1, residues 328-348): VPLYWSQDIS[Thr338Ala]MMPKPPITLD

ClinVar aggregate classification (germline): Uncertain significance. Review status: criteria provided, multiple submitters, no conflicts (2 of 4 stars). 2 submissions from 2 submitters: Uncertain significance (2). Last evaluated 2025-02-08.

Conditions:
Inborn genetic diseases. Identifiers: MedGen C0950123, MeSH D030342.
Charcot-Marie-Tooth disease type 4. Also called: Charcot-Marie-Tooth disease, type IV; Charcot-Marie-Tooth, Type 4. Identifiers: Orphanet 64749, MedGen C4082197, MONDO:0018995.

Allele frequency attached by ClinVar (database versions not stated): ExAC 0.00001; gnomAD exomes 0.00002.
gnomAD v4.1: 22 of 1,612,922 alleles (0.0014%); highest among the groups gnomAD compares: Non-Finnish European, 0.0019%; no homozygotes.

Submissions (2):

Ambry Genetics
Classification: Uncertain significance for Inborn genetic diseases. Last evaluated: 2025-02-08. Review status: criteria provided, single submitter. Criteria: Ambry Variant Classification Scheme 2023. Collection method: clinical testing. Allele origin: germline.

Labcorp Genetics (formerly Invitae), Labcorp
Classification: Uncertain significance for Charcot-Marie-Tooth disease type 4. Last evaluated: 2022-07-02. Review status: criteria provided, single submitter. Criteria: Invitae Variant Classification Sherloc (09022015). Collection method: clinical testing. Allele origin: germline.
Comment: This sequence change replaces threonine, which is neutral and polar, with alanine, which is neutral and non-polar, at codon 338 of the FIG4 protein (p.Thr338Ala). This variant is present in population databases (rs771265385, gnomAD 0.0009%). This variant has not been reported in the literature in individuals affected with FIG4-related conditions. Algorithms developed to predict the effect of missense changes on protein structure and function (SIFT, PolyPhen-2, Align-GVGD) all suggest that this variant is likely to be tolerated. In summary, the available evidence is currently insufficient to determine the role of this variant in disease. Therefore, it has been classified as a Variant of Uncertain Significance.